The following is an entry in ClinVar:

NM_152415.3(VPS37A):c.24C>T (p.Thr8=)

Gene: VPS37A (VPS37A subunit of ESCRT-I; plus strand). Cytogenetic location: 8p22.
Variant type: single nucleotide variant.
Coding change: c.24C>T on transcript NM_152415.3 (MANE Select); coding-DNA position 24, C replaced by T.
Protein change: p.Thr8=; no amino-acid change (threonine 8 retained).
Molecular consequence: synonymous variant. On other transcripts: 5 prime UTR variant (5).
Genome position (GRCh38, 1-based): chr8:17,247,268, C>T. VCF-style: chr8-17247268-C-T. GRCh37 (hg19) VCF-style: chr8-17104777-C-T.
Other names: c.24C>T, p.Thr8= (NM_001145152.2, NM_001363167.1, NM_001363173.2); c.-292C>T (NM_001363168.1, NM_001363170.1, NM_001363172.2); c.-242C>T (NM_001363169.1, NM_001363171.1).
Identifiers: ClinVar variation 696459 (VCV000696459.23), dbSNP rs146098391, ClinGen allele CA4643088.

ClinVar aggregate classification (germline): Benign/Likely benign. Review status: criteria provided, multiple submitters, no conflicts (2 of 4 stars). 4 submissions from 4 submitters: Benign (1); Likely benign (3). Last evaluated 2026-03-01.

Conditions:
Hereditary spastic paraplegia. Also called: Familial spastic paraparesis. Identifiers: Orphanet 685, MedGen C0037773, MONDO:0019064. Disease mechanism: loss of function.
Hereditary spastic paraplegia 53. Also called: Spastic paraplegia 53, autosomal recessive. Identifiers: Orphanet 319199, MedGen C3539494, MONDO:0013962, OMIM 614898.

Allele frequency attached by ClinVar (database versions not stated): gnomAD exomes 0.00086; ExAC 0.00175; ESP Exome Variant Server 0.00324; gnomAD 0.00409; TOPMed 0.00414; 1000 Genomes Project 30x 0.00437; 1000 Genomes Project 0.00459.
gnomAD v4.1: 1,036 of 1,570,566 alleles (0.066%); highest among the groups gnomAD compares: African/African-American, 1.2%; 7 homozygotes.

Submissions (4):

CeGaT Center for Human Genetics Tuebingen
Classification: Likely benign. Last evaluated: 2026-03-01. Review status: criteria provided, single submitter. Criteria: CeGaT Center For Human Genetics Tuebingen Variant Classification Criteria Version 2. Collection method: clinical testing. Allele origin: germline. Affected: yes. Observed: 2 variant alleles.
Comment: VPS37A: BP4, BP7, BS1

Labcorp Genetics (formerly Invitae), Labcorp
Classification: Benign for Hereditary spastic paraplegia 53. Last evaluated: 2025-11-21. Review status: criteria provided, single submitter. Criteria: Invitae Variant Classification Sherloc (09022015). Collection method: clinical testing. Allele origin: germline.

Genome Diagnostics Laboratory, The Hospital for Sick Children
Classification: Likely benign for Hereditary spastic paraplegia. Last evaluated: 2021-06-14. Review status: criteria provided, single submitter. Criteria: ACMG Guidelines, 2015. Collection method: clinical testing. Allele origin: germline. Affected: yes.

GeneDx
Classification: Likely benign. Last evaluated: 2019-10-28. Review status: criteria provided, single submitter. Criteria: GeneDx Variant Classification Process June 2021. Collection method: clinical testing. Allele origin: germline. Affected: yes.